The following is an entry in ClinVar:

ClinVar aggregate classification (germline): Likely benign. Review status: criteria provided, single submitter (1 of 4 stars). 2 submissions from 1 submitter: Likely benign (2). Last evaluated 2017-07-18.

Conditions:
Surfactant metabolism dysfunction, pulmonary, 2 (SMDP2). Also called: DESQUAMATIVE INTERSTITIAL PNEUMONITIS DUE TO SURFACTANT PROTEIN C DEFICIENCY; INTERSTITIAL LUNG DISEASE DUE TO SURFACTANT PROTEIN C DEFICIENCY; PULMONARY ALVEOLAR PROTEINOSIS, CONGENITAL, 2. Identifiers: Orphanet 440392, MedGen C1970470, MONDO:0024465, OMIM 610913.
Interstitial lung disease 2 (ILD2). Also called: Familial idiopathic pulmonary fibrosis; FIBROCYSTIC PULMONARY DYSPLASIA; FIBROSING ALVEOLITIS, CRYPTOGENIC. Identifiers: Orphanet 2032, Orphanet 79126, MedGen C5561926, MONDO:0800497, OMIM 178500, MONDO:0800029.

Allele frequency attached by ClinVar (database versions not stated): gnomAD exomes 0.00001 and 0.00005; gnomAD 0.00003; TOPMed 0.00006.
gnomAD v4.1: 18 of 1,503,420 alleles (0.0012%); highest among the groups gnomAD compares: Admixed American, 0.011%; no homozygotes.

Submissions (2):

Illumina Laboratory Services, Illumina
Classification: Likely benign for Idiopathic fibrosing alveolitis, chronic form. Last evaluated: 2017-07-18. Review status: criteria provided, single submitter. Criteria: ICSL Variant Classification Criteria 13 December 2019. Collection method: clinical testing. Allele origin: germline.
Comment: This variant was observed as part of a predisposition screen in an ostensibly healthy population. A literature search was performed for the gene, cDNA change, and amino acid change (where applicable). No publications were found based on this search. Allele frequency data from public databases allowed determination this variant is unlikely to cause disease. Therefore, this variant is classified as likely benign.

Illumina Laboratory Services, Illumina
Classification: Likely benign for Surfactant metabolism dysfunction, pulmonary, 2. Last evaluated: 2017-07-18. Review status: criteria provided, single submitter. Criteria: ICSL Variant Classification Criteria 13 December 2019. Collection method: clinical testing. Allele origin: germline.
Comment: the same text as in the submission from Illumina Laboratory Services, Illumina above.

NM_001317778.2(SFTPC):c.*171G>A

Gene: SFTPC (surfactant protein C; plus strand). Cytogenetic location: 8p21.3.
Variant type: single nucleotide variant.
Coding change: c.*171G>A on transcript NM_001317778.2 (MANE Select); 171 bases downstream of the stop codon, G replaced by A.
Molecular consequence: 3 prime UTR variant.
Genome position (GRCh38, 1-based): chr8:22,164,418, G>A. VCF-style: chr8-22164418-G-A. GRCh37 (hg19) VCF-style: chr8-22021931-G-A.
Other names: c.*377G>A (NM_001172357.2); c.*163G>A (NM_001172410.2, NM_001317780.2); c.*171G>A (NM_001317779.2, NM_003018.4).
Identifiers: ClinVar variation 908497 (VCV000908497.4), dbSNP rs1352249630, ClinGen allele CA580545415.
Genomic context (GRCh38, chr8:22,164,418, plus strand): 5'-CCGCAGGGACAAGCCCTGGAGAAATGGGAGCTTGGGGAGAGGATGGGAGTGGGCAGAGGT[G>A]GCGCCCAGGGGCCCGGGAACTCCTGCCACAACAGAATAAAGCAGCCTGATTGAAAAGCAA-3'